The following is an entry in ClinVar:

NM_006577.6(B3GNT2):c.954G>A (p.Arg318=)

Gene: B3GNT2 (UDP-GlcNAc:betaGal beta-1,3-N-acetylglucosaminyltransferase 2; plus strand). Cytogenetic location: 2p15.
Variant type: single nucleotide variant.
Coding change: c.954G>A on transcript NM_006577.6 (MANE Select); coding-DNA position 954, G replaced by A.
Protein change: p.Arg318=; no amino-acid change (arginine 318 retained).
Molecular consequence: synonymous variant.
Genome position (GRCh38, 1-based): chr2:62,223,174, G>A. VCF-style: chr2-62223174-G-A. GRCh37 (hg19) VCF-style: chr2-62450309-G-A.
Other names: c.954G>A, p.Arg318= (NM_001319075.2).
Identifiers: ClinVar variation 4873129 (VCV004873129.2).

ClinVar aggregate classification (germline): Likely benign (1 of 4 stars; one submission).

gnomAD v4.1: 1 of 1,614,042 alleles (0.000062%); highest among the groups gnomAD compares: African/African-American, 0.0013%; no homozygotes.

Submission:

CeGaT Center for Human Genetics Tuebingen
Classification: Likely benign. Last evaluated: 2026-05-01. Review status: criteria provided, single submitter. Criteria: CeGaT Center For Human Genetics Tuebingen Variant Classification Criteria Version 2. Collection method: clinical testing. Allele origin: germline. Affected: yes. Observed: 1 variant allele.
Comment: B3GNT2: BP4, BP7